The following is an entry in ClinVar:

NM_032730.5(RTN4IP1):c.804dup (p.Pro269fs)

Gene: RTN4IP1 (reticulon 4 interacting protein 1; minus strand). Cytogenetic location: 6q21.
Variant type: Duplication.
Coding change: c.804dup on transcript NM_032730.5 (MANE Select); coding-DNA position 804, one base duplicated (A; older notation c.804dupA).
Protein change: p.Pro269fs; shifts the reading frame from proline 269.
Molecular consequence: frameshift variant.
Genome position (GRCh38, 1-based): chr6:106,592,166, T duplicated on the plus strand (A on the coding strand, the reverse complement: RTN4IP1 is on the minus strand); the first of 4 consecutive T bases (chr6:106,592,166-106,592,169); duplicating any one gives the same sequence. VCF-style (leftmost placement, unchanged base first): chr6-106592165-G-GT. GRCh37 (hg19) VCF-style: chr6-107040040-G-GT.
Other names: c.504dup, p.Pro169fs (NM_001318746.1); short protein forms P169fs, P269fs.
Identifiers: ClinVar variation 1451258 (VCV001451258.7), dbSNP rs780798399, ClinGen allele CA3944367.

ClinVar aggregate classification (germline): Pathogenic/Likely pathogenic. Review status: criteria provided, multiple submitters, no conflicts (2 of 4 stars). 2 submissions from 2 submitters: Pathogenic (1); Likely pathogenic (1). Last evaluated 2025-04-18.

Conditions:
RTN4IP1-related disorder. Also called: RTN4IP1-related condition.

Submissions (2):

Labcorp Genetics (formerly Invitae), Labcorp
Classification: Pathogenic. Last evaluated: 2025-04-18. Review status: criteria provided, single submitter. Criteria: Invitae Variant Classification Sherloc (09022015). Collection method: clinical testing. Allele origin: germline.
Comment: This sequence change creates a premature translational stop signal (p.Pro269Thrfs*3) in the RTN4IP1 gene. It is expected to result in an absent or disrupted protein product. Loss-of-function variants in RTN4IP1 are known to be pathogenic (PMID: 26593267). This variant is present in population databases (rs780798399, gnomAD 0.0009%). This variant has not been reported in the literature in individuals affected with RTN4IP1-related conditions. ClinVar contains an entry for this variant (Variation ID: 1451258). For these reasons, this variant has been classified as Pathogenic.

Blueprint Genetics
Classification: Likely pathogenic for RTN4IP1-related disorders. Last evaluated: 2019-11-27. Review status: criteria provided, single submitter. Criteria: ACMG Guidelines, 2015. Collection method: clinical testing. Allele origin: germline. Affected: yes. Observed: 1 variant allele.

Literature cited by the submitters: PubMed 26593267 (cited by Labcorp Genetics (formerly Invitae), Labcorp).